The following is an entry in ClinVar:

ClinVar aggregate classification (germline): Uncertain significance (1 of 4 stars; one submission).

Submission:

GeneDx
Classification: Uncertain significance. Last evaluated: 2025-07-01. Review status: criteria provided, single submitter. Criteria: GeneDx Variant Classification Process June 2021. Collection method: clinical testing. Allele origin: germline. Affected: yes.
Comment: Not observed at significant frequency in large population cohorts (gnomAD); In silico analysis supports that this missense variant has a deleterious effect on protein structure/function; Has not been previously published as pathogenic or benign to our knowledge

NM_001366521.1(ATP2B1):c.1398G>T (p.Met466Ile)

Gene: ATP2B1 (ATPase plasma membrane Ca2+ transporting 1; minus strand). Cytogenetic location: 12q21.33.
Variant type: single nucleotide variant.
Coding change: c.1398G>T on transcript NM_001366521.1 (MANE Select); coding-DNA position 1398, G replaced by T.
Protein change: p.Met466Ile; replaces methionine 466 with isoleucine.
Molecular consequence: missense variant. On other transcripts: non-coding transcript variant (3), intron variant (1).
Genome position (GRCh38, 1-based): chr12:89,621,738, C>A on the plus strand (G>T on the coding strand, the complement: ATP2B1 is on the minus strand). VCF-style: chr12-89621738-C-A. GRCh37 (hg19) VCF-style: chr12-90015515-C-A.
Other names: c.1398G>T, p.Met466Ile (NM_001366522.1, NM_001366523.1, NM_001366524.1 and 12 more transcripts); c.1200G>T, p.Met400Ile (NM_001366530.1, NM_001413053.1); c.1257G>T, p.Met419Ile (NM_001413055.1, NM_001413051.1, NM_001413052.1); c.1143G>T, p.Met381Ile (NM_001413056.1); c.945G>T, p.Met315Ile (NM_001413057.1); c.837G>T, p.Met279Ile (NM_001413058.1, NM_001413059.1, NM_001413060.1 and 2 more transcripts); c.1345-1498G>T (NM_001413054.1); c.1359G>T, p.Met453Ile (NM_001413048.1); short protein forms M279I, M315I, M381I, M400I, M419I, M453I, M466I.
Identifiers: ClinVar variation 4680997 (VCV004680997.1).
Genomic context (GRCh38, chr12:89,621,738, plus strand): 5'-TGTCATTCTGTTCATTGTCAAAGTTCCTGTTTTATCTGAACAAATAGCTGTAGCATTTCC[C>A]ATGGTTTCACAAGCATCCAGATGCCTTACTAAGTTATTATCTTTCATCATTTTCTACAGT-3'
Protein context (NP_001353450.1, residues 456-476): LVRHLDACET[Met466Ile]GNATAICSDK